The following is an entry in ClinVar:

ClinVar aggregate classification (germline): Uncertain significance. Review status: criteria provided, multiple submitters, no conflicts (2 of 4 stars). 2 submissions from 2 submitters: Uncertain significance (2). Last evaluated 2024-12-03.

Conditions:
Inborn genetic diseases. Identifiers: MedGen C0950123, MeSH D030342.
Geleophysic dysplasia 3. Identifiers: MedGen C4540511, MONDO:0054722, OMIM 617809.
Brachyolmia-amelogenesis imperfecta syndrome. Also called: Tooth agenesis, selective, 6; Dental anomalies and short stature; PLATYSPONDYLY WITH AMELOGENESIS IMPERFECTA. Identifiers: Orphanet 2899, MedGen C1832594, MONDO:0011018, OMIM 601216. Disease mechanism: loss of function.

Allele frequency attached by ClinVar (database versions not stated): gnomAD 0.00002; TOPMed 0.00003.
gnomAD v4.1: 72 of 1,612,246 alleles (0.0045%); highest among the groups gnomAD compares: Non-Finnish European, 0.0057%; no homozygotes.

Submissions (2):

Labcorp Genetics (formerly Invitae), Labcorp
Classification: Uncertain significance for Brachyolmia-amelogenesis imperfecta syndrome. Last evaluated: 2024-12-03. Review status: criteria provided, single submitter. Criteria: Invitae Variant Classification Sherloc (09022015). Collection method: clinical testing. Allele origin: germline.
Comment: This sequence change replaces methionine, which is neutral and non-polar, with leucine, which is neutral and non-polar, at codon 633 of the LTBP3 protein (p.Met633Leu). This variant is present in population databases (no rsID available, gnomAD 0.004%). This variant has not been reported in the literature in individuals affected with LTBP3-related conditions. ClinVar contains an entry for this variant (Variation ID: 2202375). An algorithm developed to predict the effect of missense changes on protein structure and function outputs the following: PolyPhen-2: "Benign". The leucine amino acid residue is found in multiple mammalian species, which suggests that this missense change does not adversely affect protein function. In summary, the available evidence is currently insufficient to determine the role of this variant in disease. Therefore, it has been classified as a Variant of Uncertain Significance.

Ambry Genetics
Classification: Uncertain significance for Inborn genetic diseases. Last evaluated: 2024-03-22. Review status: criteria provided, single submitter. Criteria: Ambry Variant Classification Scheme 2023. Collection method: clinical testing. Allele origin: germline.
Comment: The p.M633L variant (also known as c.1897A>C), located in coding exon 13 of the LTBP3 gene, results from an A to C substitution at nucleotide position 1897. The methionine at codon 633 is replaced by leucine, an amino acid with highly similar properties. This amino acid position is conserved. In addition, this alteration is predicted to be tolerated by in silico analysis. Based on the available evidence, the clinical significance of this alteration remains unclear.

NM_001130144.3(LTBP3):c.1897A>C (p.Met633Leu)

Gene: LTBP3 (latent transforming growth factor beta binding protein 3; minus strand). Cytogenetic location: 11q13.1.
Variant type: single nucleotide variant.
Coding change: c.1897A>C on transcript NM_001130144.3 (MANE Select); coding-DNA position 1897, A replaced by C.
Protein change: p.Met633Leu; replaces methionine 633 with leucine.
Molecular consequence: missense variant.
Genome position (GRCh38, 1-based): chr11:65,547,771, T>G on the plus strand (A>C on the coding strand, the complement: LTBP3 is on the minus strand). VCF-style: chr11-65547771-T-G. GRCh37 (hg19) VCF-style: chr11-65315242-T-G.
Other names: c.1546A>C, p.Met516Leu (NM_001164266.1); c.1897A>C, p.Met633Leu (NM_021070.4); c.1897A>C (NM_001130144.2); short protein forms M633L, M516L.
Identifiers: ClinVar variation 2202375 (VCV002202375.7), dbSNP rs1259616769, ClinGen allele CA381271507.
Genomic context (GRCh38, chr11:65,547,771, plus strand): 5'-CGCCCACGTGCAGGCGGTAGCCGCGGTTGCAGTGGCAATTGTAGGAGCCGCCGGTGTTCA[T>G]GCAGATGCCCCTCCCCGGGCCACAGGGCTCTGCCTCGCACTCGTTCACATCTGAGAAGAA-3'
Protein context (NP_001123616.1, residues 623-643): EPCGPGRGIC[Met633Leu]NTGGSYNCHC